The following is an entry in ClinVar:

NM_007118.4(TRIO):c.-5C>T

Gene: TRIO (trio Rho guanine nucleotide exchange factor; plus strand). Cytogenetic location: 5p15.2.
Variant type: single nucleotide variant.
Coding change: c.-5C>T on transcript NM_007118.4 (MANE Select); 5 bases upstream of the start codon, C replaced by T.
Molecular consequence: 5 prime UTR variant. On other transcripts: non-coding transcript variant (1).
Genome position (GRCh38, 1-based): chr5:14,143,721, C>T. VCF-style: chr5-14143721-C-T. GRCh37 (hg19) VCF-style: chr5-14143830-C-T.
Identifiers: ClinVar variation 3026465 (VCV003026465.22), dbSNP rs1399605841, ClinGen allele CA804783306.

ClinVar aggregate classification (germline): Likely benign (1 of 4 stars; one submission).

Allele frequency attached by ClinVar (database versions not stated): gnomAD 0.00001; gnomAD exomes 0.00002.
gnomAD v4.1: 21 of 977,556 alleles (0.0021%); highest among the groups gnomAD compares: Non-Finnish European, 0.0025%; no homozygotes.

Submission:

CeGaT Center for Human Genetics Tuebingen
Classification: Likely benign. Last evaluated: 2023-12-01. Review status: criteria provided, single submitter. Criteria: CeGaT Center For Human Genetics Tuebingen Variant Classification Criteria Version 2. Collection method: clinical testing. Allele origin: germline. Affected: yes. Observed: 1 variant allele.
Comment: TRIO: BP4